The following is an entry in ClinVar:

ClinVar aggregate classification (germline): Conflicting classifications of pathogenicity. Review status: criteria provided, conflicting classifications (1 of 4 stars). 2 submissions from 2 submitters: Uncertain significance (1); Likely benign (1). Last evaluated 2022-12-07.

Conditions:
Hereditary cancer-predisposing syndrome. Also called: Tumor predisposition; Neoplastic Syndromes, Hereditary; Hereditary Cancer Syndrome; Hereditary neoplastic syndrome. Identifiers: Orphanet 140162, MedGen C0027672, MeSH D009386, MONDO:0015356.
Parathyroid carcinoma (PRTC). Also called: CDC73-Related Parathyroid Carcinoma; Parathyroid gland carcinoma. Identifiers: Orphanet 143, MedGen C0687150, MONDO:0012004, OMIM 608266, HP:0006780.

Allele frequency attached by ClinVar (database versions not stated): TOPMed below 0.00001; gnomAD 0.00001.
gnomAD v4.1: 1 of 1,613,974 alleles (0.000062%); highest among the groups gnomAD compares: African/African-American, 0.0013%; no homozygotes.

Submissions (2):

Ambry Genetics
Classification: Uncertain significance for Hereditary cancer-predisposing syndrome. Last evaluated: 2022-12-07. Review status: criteria provided, single submitter. Criteria: Ambry Variant Classification Scheme 2023. Collection method: clinical testing. Allele origin: germline.
Comment: The c.131+4A>G intronic variant results from an A to G substitution 4 nucleotides after coding exon 1 in the CDC73 gene. This nucleotide position is not well conserved in available vertebrate species. In silico splice site analysis for this alteration is inconclusive. Since supporting evidence is limited at this time, the clinical significance of this alteration remains unclear.

Labcorp Genetics (formerly Invitae), Labcorp
Classification: Likely benign for Parathyroid carcinoma. Last evaluated: 2022-08-16. Review status: criteria provided, single submitter. Criteria: Invitae Variant Classification Sherloc (09022015). Collection method: clinical testing. Allele origin: germline.

NM_024529.5(CDC73):c.131+4A>G

Gene: CDC73 (cell division cycle 73; plus strand). Cytogenetic location: 1q31.2.
Variant type: single nucleotide variant.
Coding change: c.131+4A>G on transcript NM_024529.5 (MANE Select); 4 bases into the intron after coding-DNA position 131, A replaced by G.
Molecular consequence: intron variant.
Genome position (GRCh38, 1-based): chr1:193,122,335, A>G. VCF-style: chr1-193122335-A-G. GRCh37 (hg19) VCF-style: chr1-193091465-A-G.
Identifiers: ClinVar variation 241493 (VCV000241493.11), dbSNP rs878855089, ClinGen allele CA10581759.